The following is an entry in ClinVar:

ClinVar aggregate classification (germline): Benign/Likely benign. Review status: criteria provided, multiple submitters, no conflicts (2 of 4 stars). 4 submissions from 4 submitters: Benign (1); Likely benign (2). 1 of the submissions does not count toward it. Last evaluated 2025-07-22.

Conditions:
Hereditary cancer-predisposing syndrome. Also called: Neoplastic Syndromes, Hereditary; Tumor predisposition; Hereditary Cancer Syndrome; Hereditary neoplastic syndrome. Identifiers: Orphanet 140162, MedGen C0027672, MeSH D009386, MONDO:0015356.
Familial cancer of breast. Also called: Hereditary breast cancer; hereditary breast carcinoma; BREAST CANCER, FAMILIAL. Identifiers: Orphanet 227535, MedGen C0346153, MONDO:0016419, OMIM 114480. Disease mechanism: loss of function.
Ataxia-telangiectasia syndrome (AT). Also called: Ataxia telangiectasia (A-T); ATAXIA-TELANGIECTASIA, COMPLEMENTATION GROUP A; ATAXIA-TELANGIECTASIA, FRESNO VARIANT; Ataxia-telangiectasia; Ataxia-telangiectasia, complementation group E; LOUIS-BAR SYNDROME. Identifiers: Orphanet 100, MedGen C0004135, MONDO:0008840, OMIM 208900.

Submissions (4):

Ambry Genetics
Classification: Likely benign for Hereditary cancer-predisposing syndrome. Last evaluated: 2025-07-22. Review status: criteria provided, single submitter. Criteria: Ambry Variant Classification Scheme 2023. Collection method: clinical testing. Allele origin: germline.

Myriad Genetics, Inc.
Classification: Benign for Familial cancer of breast. Last evaluated: 2024-05-28. Review status: criteria provided, single submitter. Criteria: Myriad Autosomal Dominant, Autosomal Recessive and X-Linked Classification Criteria (2023). Collection method: clinical testing. Allele origin: unknown.
Comment: This variant is considered benign. This variant is a silent/synonymous amino acid change and it is not expected to impact splicing.

Labcorp Genetics (formerly Invitae), Labcorp
Classification: Likely benign for Ataxia-telangiectasia syndrome. Last evaluated: 2020-06-26. Review status: criteria provided, single submitter. Criteria: Invitae Variant Classification Sherloc (09022015). Collection method: clinical testing. Allele origin: germline.

Natera, Inc.
Classification: Likely benign for Ataxia-telangiectasia. Last evaluated: 2021-07-02. Review status: no assertion criteria provided. Collection method: clinical testing. Allele origin: germline. Not counted in ClinVar's aggregate classification.

NM_000051.4(ATM):c.5958T>A (p.Ile1986=)

Genes: ATM (ATM serine/threonine kinase; plus strand), C11orf65 (chromosome 11 open reading frame 65; minus strand). Cytogenetic location: 11q22.3.
Variant type: single nucleotide variant.
Coding change: c.5958T>A on transcript NM_000051.4 (MANE Select); coding-DNA position 5958, T replaced by A.
Protein change: p.Ile1986=; no amino-acid change (isoleucine 1986 retained).
Molecular consequence: synonymous variant. On other transcripts: intron variant (2).
Genome position (GRCh38, 1-based): chr11:108,312,450, T>A. VCF-style: chr11-108312450-T-A. GRCh37 (hg19) VCF-style: chr11-108183177-T-A.
Other names: c.5958T>A, p.Ile1986= (NM_001351834.2); c.641-3379A>T (NM_001330368.2); c.*39-3379A>T (NM_001351110.2).
Identifiers: ClinVar variation 1123482 (VCV001123482.22), dbSNP rs2136060867, ClinGen allele CA476675546.
Genomic context (GRCh38, chr11:108,312,450, plus strand): 5'-AGGTGTTCTTGTGACAAACAGAAGTCTTGCATTTGAAGAAGGAAGCCAGAGTACAACTAT[T>A]TCTAGCTTGAGTGAAAAAAGTAAAGAAGAAACTGGAATAAGTTTACAGGTAAATATTAGA-3'
Protein context (NP_000042.3, residues 1976-1996): AFEEGSQSTT[Ile1986=]SSLSEKSKEE